The following is an entry in ClinVar:

ClinVar aggregate classification (germline): Uncertain significance. Review status: criteria provided, multiple submitters, no conflicts (2 of 4 stars). 2 submissions from 2 submitters: Uncertain significance (2). Last evaluated 2025-08-07.

Conditions:
Inborn genetic diseases. Identifiers: MedGen C0950123, MeSH D030342.

gnomAD v4.1: 33 of 1,613,762 alleles (0.002%); highest among the groups gnomAD compares: Non-Finnish European, 0.0028%; no homozygotes.

Submissions (2):

Labcorp Genetics (formerly Invitae), Labcorp
Classification: Uncertain significance. Last evaluated: 2025-08-07. Review status: criteria provided, single submitter. Criteria: Invitae Variant Classification Sherloc (09022015). Collection method: clinical testing. Allele origin: germline.
Comment: This sequence change replaces glutamic acid, which is acidic and polar, with lysine, which is basic and polar, at codon 380 of the MYO1E protein (p.Glu380Lys). This variant is present in population databases (rs369998755, gnomAD 0.003%). This variant has not been reported in the literature in individuals affected with MYO1E-related conditions. ClinVar contains an entry for this variant (Variation ID: 3916127). Invitae Evidence Modeling of protein sequence and biophysical properties (such as structural, functional, and spatial information, amino acid conservation, physicochemical variation, residue mobility, and thermodynamic stability) indicates that this missense variant is not expected to disrupt MYO1E protein function with a negative predictive value of 80%. In summary, the available evidence is currently insufficient to determine the role of this variant in disease. Therefore, it has been classified as a Variant of Uncertain Significance.

Ambry Genetics
Classification: Uncertain significance for Inborn genetic diseases. Last evaluated: 2025-06-04. Review status: criteria provided, single submitter. Criteria: Ambry Variant Classification Scheme 2023. Collection method: clinical testing. Allele origin: germline.

NM_004998.4(MYO1E):c.1138G>A (p.Glu380Lys)

Gene: MYO1E (myosin IE; minus strand). Cytogenetic location: 15q22.2.
Variant type: single nucleotide variant.
Coding change: c.1138G>A on transcript NM_004998.4 (MANE Select); coding-DNA position 1138, G replaced by A.
Protein change: p.Glu380Lys; replaces glutamic acid 380 with lysine.
Molecular consequence: missense variant.
Genome position (GRCh38, 1-based): chr15:59,214,690, C>T on the plus strand (G>A on the coding strand, the complement: MYO1E is on the minus strand). VCF-style: chr15-59214690-C-T. GRCh37 (hg19) VCF-style: chr15-59506889-C-T.
Other names: short protein forms E380K.
Identifiers: ClinVar variation 3916127 (VCV003916127.2).